The following is an entry in ClinVar:

NM_025145.7(CFAP43):c.1442+1G>A

Gene: CFAP43 (cilia and flagella associated protein 43; minus strand). Cytogenetic location: 10q25.1.
Variant type: single nucleotide variant.
Coding change: c.1442+1G>A on transcript NM_025145.7 (MANE Select); the canonical splice donor site of the intron after coding-DNA position 1442, G replaced by A.
Molecular consequence: splice donor variant.
Genome position (GRCh38, 1-based): chr10:104,193,865, C>T on the plus strand (G>A on the coding strand, the complement: CFAP43 is on the minus strand). VCF-style: chr10-104193865-C-T. GRCh37 (hg19) VCF-style: chr10-105953623-C-T.
Identifiers: ClinVar variation 4851978 (VCV004851978.1).

ClinVar aggregate classification (germline): Pathogenic (1 of 4 stars; one submission).

gnomAD v4.1: 21 of 1,613,616 alleles (0.0013%); highest among the groups gnomAD compares: Admixed American, 0.0033%; no homozygotes.

Submission:

Dasa
Classification: Pathogenic. Last evaluated: 2025-07-07. Review status: criteria provided, single submitter. Criteria: DASA Assertion Criteria. Collection method: clinical testing. Allele origin: germline.
Comment: NM_025145.7(CFAP43):c.1442+1G>A introduces a premature termination codon predicted to result in loss of normal protein function. Loss-of-function is an established mechanism of disease for this gene. This variant has been observed in affected individuals with related phenotype in a genotype context consistent with recessive disease (PMID: 32393981). This variant has been reported in individuals with related phenotype (PMID: 32393981). The variant is present at low frequency in population datasets. Based on the available data, this variant is classified as pathogenic.

Literature cited by the submitters: PubMed 32393981.